The following is an entry in ClinVar:

ClinVar aggregate classification (germline): Conflicting classifications of pathogenicity. Review status: criteria provided, conflicting classifications (1 of 4 stars). 2 submissions from 2 submitters: Uncertain significance (1); Likely benign (1). Last evaluated 2022-11-22.

Conditions:
Ehlers-Danlos syndrome, musculocontractural type 2 (EDSMC2). Identifiers: Orphanet 2953, MedGen C3809845, MONDO:0014236, OMIM 615539.

Allele frequency attached by ClinVar (database versions not stated): TOPMed below 0.00001; ExAC 0.00001; gnomAD 0.00001; gnomAD exomes 0.00001.
gnomAD v4.1: 26 of 1,614,068 alleles (0.0016%); highest among the groups gnomAD compares: Non-Finnish European, 0.0019%; no homozygotes.

Submissions (2):

Labcorp Genetics (formerly Invitae), Labcorp
Classification: Uncertain significance for Ehlers-Danlos syndrome, musculocontractural type 2. Last evaluated: 2022-11-22. Review status: criteria provided, single submitter. Criteria: Invitae Variant Classification Sherloc (09022015). Collection method: clinical testing. Allele origin: germline.
Comment: Algorithms developed to predict the effect of missense changes on protein structure and function are either unavailable or do not agree on the potential impact of this missense change (SIFT: "Not Available"; PolyPhen-2: "Benign"; Align-GVGD: "Not Available"). In summary, the available evidence is currently insufficient to determine the role of this variant in disease. Therefore, it has been classified as a Variant of Uncertain Significance. ClinVar contains an entry for this variant (Variation ID: 1053091). This variant has not been reported in the literature in individuals affected with DSE-related conditions. This variant is present in population databases (rs779169990, gnomAD 0.002%). This sequence change replaces serine with asparagine at codon 729 of the DSE protein (p.Ser729Asn). The serine residue is moderately conserved and there is a small physicochemical difference between serine and asparagine.

CeGaT Center for Human Genetics Tuebingen
Classification: Likely benign. Last evaluated: 2022-03-01. Review status: criteria provided, single submitter. Criteria: CeGaT Center For Human Genetics Tuebingen Variant Classification Criteria Version 2. Collection method: clinical testing. Allele origin: germline. Affected: yes. Observed: 1 variant allele.
Comment: DSE: BP4

NM_013352.4(DSE):c.2186G>A (p.Ser729Asn)

Gene: DSE (dermatan sulfate epimerase; plus strand). Cytogenetic location: 6q22.1.
Variant type: single nucleotide variant.
Coding change: c.2186G>A on transcript NM_013352.4 (MANE Select); coding-DNA position 2186, G replaced by A.
Protein change: p.Ser729Asn; replaces serine 729 with asparagine.
Molecular consequence: missense variant. On other transcripts: 3 prime UTR variant (2), non-coding transcript variant (1).
Genome position (GRCh38, 1-based): chr6:116,436,654, G>A. VCF-style: chr6-116436654-G-A. GRCh37 (hg19) VCF-style: chr6-116757817-G-A.
Other names: c.2186G>A, p.Ser729Asn (NM_001080976.3, NM_001322937.2, NM_001322938.2); c.2243G>A, p.Ser748Asn (NM_001322939.2); c.1625G>A, p.Ser542Asn (NM_001322940.2, NM_001322941.2); c.*1051G>A (NM_001322943.2, NM_001322944.2); c.1187G>A, p.Ser396Asn (NM_001374520.1); c.1151G>A, p.Ser384Asn (NM_001374521.1); short protein forms S384N, S396N, S542N, S729N, S748N.
Identifiers: ClinVar variation 1053091 (VCV001053091.41), dbSNP rs779169990, ClinGen allele CA3969777.
Genomic context (GRCh38, chr6:116,436,654, plus strand): 5'-TTGCACAGGTCATTGCTGATCGTCACAAAATTCTGTTTGACCGGAATTCAGCCATCAAGA[G>A]CAGCATTGTCCCTGAGGTGAAGGACTATGCTGCTATTGTGGAACAGAACTTGCAGCATTT-3'
Protein context (NP_037484.1, residues 719-739): ILFDRNSAIK[Ser729Asn]SIVPEVKDYA